The following is an entry in ClinVar:

ClinVar aggregate classification (germline): Likely pathogenic. Review status: criteria provided, multiple submitters, no conflicts (2 of 4 stars). 2 submissions from 2 submitters: Likely pathogenic (2). Last evaluated 2024-11-11.

Conditions:
Nephropathic cystinosis (CTNS). Also called: CYSTINOSIN, DEFECT OF; LYSOSOMAL CYSTINE TRANSPORT PROTEIN, DEFECT OF; Abderhalden Lignac Kaufmann disease; Abderhalden-Kaufmann-Lignac syndrome. Identifiers: Orphanet 213, Orphanet 411629, MedGen C2931187, MONDO:0100151, OMIM 219800.
Cystinosis. Also called: Cystine diathesis; Cystine storage disease; Cystinoses. Identifiers: Orphanet 213, MedGen C4316899, MONDO:0016239.

Submissions (2):

Natera, Inc.
Classification: Likely pathogenic for Cystinosis. Last evaluated: 2024-11-11. Review status: criteria provided, single submitter. Criteria: Natera Variant Classification Schema (03/2026). Collection method: clinical testing. Allele origin: germline.
Comment: The c.395G>A variant in CTNS is a nonsense variant predicted to introduce a stop codon at amino acid 132. This variant is expected to result in nonsense mediated decay, truncation, or a dysfunctional protein product. This variant is rare in the general population with a frequency below the threshold expected for the associated phenotype(s). Given the available evidence, this variant is classified as Likely Pathogenic.

Baylor Genetics
Classification: Likely pathogenic for Nephropathic cystinosis. Last evaluated: 2023-10-09. Review status: criteria provided, single submitter. Criteria: ACMG Guidelines, 2015. Collection method: clinical testing. Allele origin: unknown.

NM_004937.3(CTNS):c.395G>A (p.Trp132Ter)

Genes: CTNS (cystinosin, lysosomal cystine transporter; plus strand), CTNS-AS1 (CTNS antisense RNA 1; minus strand). Cytogenetic location: 17p13.2.
Variant type: single nucleotide variant.
Coding change: c.395G>A on transcript NM_004937.3 (MANE Select); coding-DNA position 395, G replaced by A.
Protein change: p.Trp132Ter; replaces tryptophan 132 with a stop codon.
Molecular consequence: nonsense. On other transcripts: 5 prime UTR variant (4).
Genome position (GRCh38, 1-based): chr17:3,655,286, G>A. VCF-style: chr17-3655286-G-A. GRCh37 (hg19) VCF-style: chr17-3558580-G-A.
Other names: c.395G>A, p.Trp132Ter (NM_001031681.3, NM_001374492.1); c.-47G>A (NM_001374493.1, NM_001374494.1, NM_001374495.1 and 1 more transcripts); c.395G>A (NM_004937.2); short protein forms W132*.
Identifiers: ClinVar variation 2681009 (VCV002681009.2), dbSNP rs2076100543, ClinGen allele CA397690709.